The following is an entry in ClinVar:

ClinVar aggregate classification (germline): Likely benign. Review status: criteria provided, multiple submitters, no conflicts (2 of 4 stars). 2 submissions from 2 submitters: Likely benign (2). Last evaluated 2026-05-14.

Conditions:
Neurofibromatosis, type 1 (NF1). Also called: VON RECKLINGHAUSEN DISEASE; NEUROFIBROMATOSIS, TYPE I, SOMATIC; Neurofibromatosis, type I; Peripheral type neurofibromatosis. Identifiers: Orphanet 636, MedGen C0027831, MONDO:0018975, OMIM 162200. Disease mechanism: loss of function.

Allele frequency attached by ClinVar (database versions not stated): gnomAD 0.00001; TOPMed 0.00001; gnomAD exomes 0.00001 and below 0.00001.

Submissions (2):

Myriad Genetics, Inc.
Classification: Likely benign for Neurofibromatosis, type 1. Last evaluated: 2026-05-14. Review status: criteria provided, single submitter. Criteria: Myriad Autosomal Dominant, Autosomal Recessive and X-Linked Classification Criteria (2023). Collection method: clinical testing. Allele origin: unknown.
Comment: This variant is considered likely benign. This variant is intronic and is not expected to impact mRNA splicing.

Labcorp Genetics (formerly Invitae), Labcorp
Classification: Likely benign for Neurofibromatosis, type 1. Last evaluated: 2025-12-09. Review status: criteria provided, single submitter. Criteria: Invitae Variant Classification Sherloc (09022015). Collection method: clinical testing. Allele origin: germline.

NM_001042492.3(NF1):c.7870-13_7870-12del

Gene: NF1 (neurofibromin 1; plus strand). Cytogenetic location: 17q11.2.
Variant type: Deletion.
Coding change: c.7870-13_7870-12del on transcript NM_001042492.3 (MANE Select); 13 bases into the intron before coding-DNA position 7870 through 12 bases into the intron before coding-DNA position 7870, 2 bases deleted (TG; older notation c.7870-13_7870-12delTG).
Molecular consequence: intron variant.
Genome position (GRCh38, 1-based): chr17:31,357,256-31,357,257, TG deleted. VCF-style (leftmost placement, unchanged base first): chr17-31357255-TTG-T. GRCh37 (hg19) VCF-style: chr17-29684273-TTG-T.
Other names: c.7807-13_7807-12del (NM_000267.4).
Identifiers: ClinVar variation 1618027 (VCV001618027.9), dbSNP rs1491006440, ClinGen allele CA625475614.